The following is an entry in ClinVar:

ClinVar aggregate classification (germline): Pathogenic. Review status: reviewed by expert panel (3 of 4 stars). 2 submissions from 2 submitters: Pathogenic (1). 1 of the submissions does not count toward it. Last evaluated 2026-04-09.

Conditions:
Pulmonary arterial hypertension. Identifiers: Orphanet 182090, MedGen C2973725, MeSH D000081029, MONDO:0015924, HP:0002092.
Pulmonary hypertension, primary, 1 (PPH1). Also called: Pulmonary hypertension, familial primary, 1, with or without HHT. Identifiers: Orphanet 422, MedGen C4552070, MONDO:0024533, OMIM 178600.

Submissions (2):

Clingen Pulmonary Hypertension Variant Curation Expert Panel, ClinGen
Classification: Pathogenic for Pulmonary arterial hypertension. Last evaluated: 2026-04-09. Review status: reviewed by expert panel. Criteria: ClinGen PH ACMG Specifications BMPR2 V2.0.0. Collection method: curation. Allele origin: germline. Inheritance: Autosomal dominant inheritance.
Comment: The BMPR2 c.1171G>A variant is a missense variant predicted to cause substitution of alanine to threonine at amino acid position 391 (p.(Ala391Thr)). The variant is absent in gnomAD v.4.1.0 (PM2_supporting met). Experimental evidence demonstrated abolished BMPR2-SMAD signaling (PS3 met). The variant is located in the catalytic kinase domain (aa 203-504) (PM1 met) but does not affect known critical or non-critical amino acids. The variant has been reported in at least two presumably unrelated individuals with IPAH from French (PMID: 18356561) and Spanish (PMID: 33007923) cohorts (PS4_supporting). Another individual with IPAH was reported in PMID:19555857 but it was not clear whether it referred to the same individual as in PMID: 18356561, and another report of the French cohort (PMID: 25429696) likely referred to the same individual as in PMID: 18356561. A different missense variant of uncertain significance affecting the same amino acid, c.1172C>A p.(Ala391Asp), was reported in an IPAH individual (PMID: 31727138) (PM1, PM2_supporting, PM5_supporting, PP3) (PM5 not met). BMPR2 has a low rate of benign missense variation and missense variants are a common mechanism of pulmonary hypertension (PP2 met). Pathogenicity predictor scores, REVEL 0.86 and AlphaMissense 0.9729, are above pathogenicity thresholds (PP3 met). PP1, PS2, PM6 were not met due to the absence of co-segregation data. In summary, this variant meets the criteria to be classified as a likely pathogenic for pulmonary arterial hypertension based on the ACMG/AMP criteria applied, as specified by the ClinGen Pulmonary Hypertension VCEP: PS3, PS4_supporting, PM1, PM2_supporting, PP2, PP3 (VCEP specification version 2.0, 1/30/2026).

Rare Disease Genomics Group, St George's University of London
Classification: Pathogenic for Primary pulmonary hypertension. Review status: no assertion criteria provided. Collection method: literature only. Allele origin: germline. Affected: yes. Not counted in ClinVar's aggregate classification.

Literature cited by the submitters: PubMed 19555857 (cited by Rare Disease Genomics Group, St George's University of London).

NM_001204.7(BMPR2):c.1171G>A (p.Ala391Thr)

Gene: BMPR2 (bone morphogenetic protein receptor type 2; plus strand). Cytogenetic location: 2q33.2.
Variant type: single nucleotide variant.
Coding change: c.1171G>A on transcript NM_001204.7 (MANE Select); coding-DNA position 1171, G replaced by A.
Protein change: p.Ala391Thr; replaces alanine 391 with threonine.
Molecular consequence: missense variant.
Genome position (GRCh38, 1-based): chr2:202,532,627, G>A. VCF-style: chr2-202532627-G-A. GRCh37 (hg19) VCF-style: chr2-203397350-G-A.
Other names: NM_001204.7(BMPR2):c.1171G>A; p.Ala391Thr; c.1171G>A (LRG_712t1); short protein forms A391T.
Identifiers: ClinVar variation 425888 (VCV000425888.3), dbSNP rs1085307308, ClinGen allele CA350341771.
Genomic context (GRCh38, chr2:202,532,627, plus strand): 5'-ATCACTCTAATTTATCAGGTTGGCACTATCAGATATATGGCACCAGAAGTGCTAGAAGGA[G>A]CTGTGAACTTGAGGGACTGTGAATCAGCTTTGAAACAAGTAGACATGTATGCTCTTGGAC-3'
Protein context (NP_001195.2, residues 381-401): RYMAPEVLEG[Ala391Thr]VNLRDCESAL